The following is an entry in ClinVar:

NM_012301.4(MAGI2):c.3707-9C>A

Gene: MAGI2 (membrane associated guanylate kinase, WW and PDZ domain containing 2; minus strand). Cytogenetic location: 7q21.11.
Variant type: single nucleotide variant.
Coding change: c.3707-9C>A on transcript NM_012301.4 (MANE Select); 9 bases into the intron before coding-DNA position 3707, C replaced by A.
Molecular consequence: intron variant.
Genome position (GRCh38, 1-based): chr7:78,019,985, G>T on the plus strand (C>A on the coding strand, the complement: MAGI2 is on the minus strand). VCF-style: chr7-78019985-G-T. GRCh37 (hg19) VCF-style: chr7-77649302-G-T.
Other names: c.3665-9C>A (NM_001301128.2).
Identifiers: ClinVar variation 2031009 (VCV002031009.4), dbSNP rs780818091, ClinGen allele CA2578921490.
Genomic context (GRCh38, chr7:78,019,985, plus strand): 5'-TCCGGCAGACCTGGGGCGGCGGCAGCGGGAGAACTCCAGGGGGCGGGTTCGTCTGTGGAC[G>T]GGAAGCACAGGCGTTAGCAGTGGCGCACGCAGGACGTCCCCGTGCCCTCTCTACGCCGGG-3'

ClinVar aggregate classification (germline): Uncertain significance (1 of 4 stars; one submission).

gnomAD v4.1: 1 of 1,597,640 alleles (0.000063%); highest among the groups gnomAD compares: South Asian, 0.0011%; no homozygotes.

Submission:

Labcorp Genetics (formerly Invitae), Labcorp
Classification: Uncertain significance. Last evaluated: 2022-09-17. Review status: criteria provided, single submitter. Criteria: Invitae Variant Classification Sherloc (09022015). Collection method: clinical testing. Allele origin: germline.
Comment: In summary, the available evidence is currently insufficient to determine the role of this variant in disease. Therefore, it has been classified as a Variant of Uncertain Significance. Algorithms developed to predict the effect of sequence changes on RNA splicing suggest that this variant may disrupt the consensus splice site. This variant has not been reported in the literature in individuals affected with MAGI2-related conditions. This variant is not present in population databases (gnomAD no frequency). This sequence change falls in intron 21 of the MAGI2 gene. It does not directly change the encoded amino acid sequence of the MAGI2 protein.